The following is an entry in ClinVar:

NM_001348800.3(ZBTB20):c.845T>C (p.Met282Thr)

Gene: ZBTB20 (zinc finger and BTB domain containing 20; minus strand). Cytogenetic location: 3q13.31.
Variant type: single nucleotide variant.
Coding change: c.845T>C on transcript NM_001348800.3 (MANE Select); coding-DNA position 845, T replaced by C.
Protein change: p.Met282Thr; replaces methionine 282 with threonine.
Molecular consequence: missense variant.
Genome position (GRCh38, 1-based): chr3:114,351,233, A>G on the plus strand (T>C on the coding strand, the complement: ZBTB20 is on the minus strand). VCF-style: chr3-114351233-A-G. GRCh37 (hg19) VCF-style: chr3-114070080-A-G.
Other names: c.845T>C, p.Met282Thr (NM_001164342.2, NM_001348803.3, NM_001393393.1 and 1 more transcripts); c.626T>C, p.Met209Thr (NM_001164343.2, NM_001164344.4, NM_001164345.4 and 9 more transcripts); short protein forms M209T, M282T.
Identifiers: ClinVar variation 1364229 (VCV001364229.8), dbSNP rs763410404, ClinGen allele CA2551377.
Genomic context (GRCh38, chr3:114,351,233, plus strand): 5'-AGGTAGCGCTCCATCTGCTGCGAGCGCTCATGGATGCGTGTGATCCAGCTGGGGTCTTCC[A>G]TGTGGTGGTCGCGGGGCAGGCCGAGCGCAGTCTCGTGGTGGCTGACCACTGCGCCGCTGT-3'
Protein context (NP_001335729.1, residues 272-292): TALGLPRDHH[Met282Thr]EDPSWITRIH

ClinVar aggregate classification (germline): Uncertain significance (1 of 4 stars; one submission).

Allele frequency attached by ClinVar (database versions not stated): gnomAD exomes below 0.00001 and 0.00001; ExAC 0.00001; gnomAD 0.00001.
gnomAD v4.1: 11 of 1,600,122 alleles (0.00069%); highest among the groups gnomAD compares: African/African-American, 0.0027%; no homozygotes.

Submission:

Labcorp Genetics (formerly Invitae), Labcorp
Classification: Uncertain significance. Last evaluated: 2023-11-18. Review status: criteria provided, single submitter. Criteria: Invitae Variant Classification Sherloc (09022015). Collection method: clinical testing. Allele origin: germline.
Comment: This sequence change replaces methionine, which is neutral and non-polar, with threonine, which is neutral and polar, at codon 282 of the ZBTB20 protein (p.Met282Thr). This variant is present in population databases (rs763410404, gnomAD 0.007%). This variant has not been reported in the literature in individuals affected with ZBTB20-related conditions. ClinVar contains an entry for this variant (Variation ID: 1364229). Advanced modeling of protein sequence and biophysical properties (such as structural, functional, and spatial information, amino acid conservation, physicochemical variation, residue mobility, and thermodynamic stability) has been performed at Invitae for this missense variant, however the output from this modeling did not meet the statistical confidence thresholds required to predict the impact of this variant on ZBTB20 protein function. In summary, the available evidence is currently insufficient to determine the role of this variant in disease. Therefore, it has been classified as a Variant of Uncertain Significance.